The following is an entry in ClinVar:

NM_001393586.1(MYO7B):c.1877C>A (p.Pro626His)

Gene: MYO7B (myosin VIIB; plus strand). Cytogenetic location: 2q14.3.
Variant type: single nucleotide variant.
Coding change: c.1877C>A on transcript NM_001393586.1 (MANE Select); coding-DNA position 1877, C replaced by A.
Protein change: p.Pro626His; replaces proline 626 with histidine.
Molecular consequence: missense variant.
Genome position (GRCh38, 1-based): chr2:127,590,114, C>A. VCF-style: chr2-127590114-C-A. GRCh37 (hg19) VCF-style: chr2-128347689-C-A.
Other names: c.1877C>A, p.Pro626His (NM_001080527.2); short protein forms P626H.
Identifiers: ClinVar variation 3048994 (VCV003048994.3), dbSNP rs148645893, ClinGen allele CA1860927.

ClinVar aggregate classification (germline): Uncertain significance. Review status: criteria provided, single submitter (1 of 4 stars). 2 submissions from 2 submitters: Uncertain significance (1). 1 of the submissions does not count toward it. Last evaluated 2025-08-01.

Conditions:
MYO7B-related disorder. Also called: MYO7B-related condition.

Allele frequency attached by ClinVar (database versions not stated): ExAC 0.00168; ESP Exome Variant Server 0.00221; 1000 Genomes Project 0.00319; 1000 Genomes Project 30x 0.00406.

Submissions (2):

Ambry Genetics
Classification: Uncertain significance. Last evaluated: 2025-08-01. Review status: criteria provided, single submitter. Criteria: Ambry Variant Classification Scheme 2023. Collection method: clinical testing. Allele origin: germline.

PreventionGenetics, part of Exact Sciences
Classification: Benign for MYO7B-related condition. Last evaluated: 2019-03-04. Review status: no assertion criteria provided. Collection method: clinical testing. Allele origin: germline. Not counted in ClinVar's aggregate classification.
Comment: This variant is classified as benign based on ACMG/AMP sequence variant interpretation guidelines (Richards et al. 2015 PMID: 25741868, with internal and published modifications).